The following is an entry in ClinVar:

NM_153240.5(NPHP3):c.1757C>G (p.Ser586Cys)

Genes: NPHP3-ACAD11 (NPHP3-ACAD11 readthrough (NMD candidate); minus strand), NPHP3 (nephrocystin 3; minus strand). Cytogenetic location: 3q22.1.
Variant type: single nucleotide variant.
Coding change: c.1757C>G on transcript NM_153240.5 (MANE Select); coding-DNA position 1757, C replaced by G.
Protein change: p.Ser586Cys; replaces serine 586 with cysteine.
Molecular consequence: missense variant. On other transcripts: non-coding transcript variant (1).
Genome position (GRCh38, 1-based): chr3:132,700,048, G>C on the plus strand (C>G on the coding strand, the complement: NPHP3 is on the minus strand). VCF-style: chr3-132700048-G-C. GRCh37 (hg19) VCF-style: chr3-132418892-G-C.
Other names: short protein forms S586C.
Identifiers: ClinVar variation 901926 (VCV000901926.7), dbSNP rs1939564898, ClinGen allele CA354582863.
Genomic context (GRCh38, chr3:132,700,048, plus strand): 5'-CAACGTGGAAATTCTTCCAGAAGCTTAGCAGGATCCAGTGTCAGAGCAGAGACTGACCAA[G>C]AGTGCTGCATCAACTACAAGATAAGAACACACACAAACTGAAGTAGTTACACGTAGTTAC-3'
Protein context (NP_694972.3, residues 576-596): KRLTLKLMQH[Ser586Cys]WSVSALTLDP

ClinVar aggregate classification (germline): Uncertain significance. Review status: criteria provided, multiple submitters, no conflicts (2 of 4 stars). 5 submissions from 3 submitters: Uncertain significance (5). Last evaluated 2022-07-26.

Conditions:
NPHP3-related Meckel-like syndrome. Also called: GOLDSTON SYNDROME; Meckel syndrome type 7. Identifiers: Orphanet 3032, MedGen C2673885, MONDO:0009966, OMIM 267010.
Renal-hepatic-pancreatic dysplasia 1 (RHPD1). Identifiers: MedGen C3715199, MONDO:0008833, OMIM 208540.
Nephronophthisis 3 (NPHP3). Also called: Adolescent nephronophthisis. Identifiers: Orphanet 655, MedGen C1858392, MONDO:0011456, OMIM 604387.
Nephronophthisis. Also called: Juvenile Nephronophthisis. Identifiers: Orphanet 655, MedGen C0687120, MONDO:0019005, HP:0000090.

Allele frequency attached by ClinVar (database versions not stated): gnomAD exomes below 0.00001; TOPMed below 0.00001; gnomAD 0.00001.
gnomAD v4.1: 7 of 1,614,014 alleles (0.00043%); highest among the groups gnomAD compares: African/African-American, 0.0013%; no homozygotes.

Submissions (5):

Labcorp Genetics (formerly Invitae), Labcorp
Classification: Uncertain significance for Nephronophthisis. Last evaluated: 2022-07-26. Review status: criteria provided, single submitter. Criteria: Invitae Variant Classification Sherloc (09022015). Collection method: clinical testing. Allele origin: germline.
Comment: This sequence change replaces serine, which is neutral and polar, with cysteine, which is neutral and slightly polar, at codon 586 of the NPHP3 protein (p.Ser586Cys). This variant is not present in population databases (gnomAD no frequency). This variant has not been reported in the literature in individuals affected with NPHP3-related conditions. ClinVar contains an entry for this variant (Variation ID: 901926). Algorithms developed to predict the effect of missense changes on protein structure and function are either unavailable or do not agree on the potential impact of this missense change (SIFT: "Tolerated"; PolyPhen-2: "Possibly Damaging"; Align-GVGD: "Class C0"). In summary, the available evidence is currently insufficient to determine the role of this variant in disease. Therefore, it has been classified as a Variant of Uncertain Significance.

Fulgent Genetics
Classification: Uncertain significance for Renal-hepatic-pancreatic dysplasia 1; NPHP3-related Meckel-like syndrome; Nephronophthisis 3. Last evaluated: 2021-12-16. Review status: criteria provided, single submitter. Criteria: ACMG Guidelines, 2015. Collection method: clinical testing. Allele origin: unknown.

Illumina Laboratory Services, Illumina
Classification: Uncertain significance for NPHP3-related Meckel-like syndrome. Last evaluated: 2018-01-12. Review status: criteria provided, single submitter. Criteria: ICSL Variant Classification Criteria 13 December 2019. Collection method: clinical testing. Allele origin: germline.

Illumina Laboratory Services, Illumina
Classification: Uncertain significance for Renal-hepatic-pancreatic dysplasia 1. Last evaluated: 2018-01-12. Review status: criteria provided, single submitter. Criteria: ICSL Variant Classification Criteria 13 December 2019. Collection method: clinical testing. Allele origin: germline.

Illumina Laboratory Services, Illumina
Classification: Uncertain significance for Nephronophthisis 3. Last evaluated: 2018-01-12. Review status: criteria provided, single submitter. Criteria: ICSL Variant Classification Criteria 13 December 2019. Collection method: clinical testing. Allele origin: germline.